The following is an entry in ClinVar:

NM_000138.5(FBN1):c.8051+1G>A

Gene: FBN1 (fibrillin 1; minus strand). Cytogenetic location: 15q21.1.
Variant type: single nucleotide variant.
Coding change: c.8051+1G>A on transcript NM_000138.5 (MANE Select); the canonical splice donor site of the intron after coding-DNA position 8051, G replaced by A.
Molecular consequence: splice donor variant.
Genome position (GRCh38, 1-based): chr15:48,415,535, C>T on the plus strand (G>A on the coding strand, the complement: FBN1 is on the minus strand). VCF-style: chr15-48415535-C-T. GRCh37 (hg19) VCF-style: chr15-48707732-C-T.
Other names: c.8051+1G>A (NM_001406716.1, NM_000138.4).
Identifiers: ClinVar variation 1479671 (VCV001479671.7), dbSNP rs2141214507, ClinGen allele CA392322461.
Genomic context (GRCh38, chr15:48,415,535, plus strand): 5'-ATACTTAATTATATTACGAATGAAAGAATCTCCAACCATGACCAGGAAGAGCACTGCTTA[C>T]CCTTGGCCTATGCGGAAGTAACCAGGTGGACAGCCACACAGGTAACCGCCCTCGGTATTG-3'

ClinVar aggregate classification (germline): Pathogenic/Likely pathogenic. Review status: criteria provided, multiple submitters, no conflicts (2 of 4 stars). 2 submissions from 2 submitters: Pathogenic (1); Likely pathogenic (1). Last evaluated 2025-04-15.

Conditions:
Familial thoracic aortic aneurysm and aortic dissection (TAAD). Also called: Thoracic aortic aneurysms and dissections. Identifiers: Orphanet 91387, MedGen C4707243, MONDO:0019625.
Marfan syndrome (MFS). Also called: MARFAN SYNDROME, TYPE I; Marfan syndrome type 1; Marfan's syndrome; Marfan syndrome, classic; FBN1-Related Marfan Syndrome. Identifiers: Orphanet 284963, Orphanet 558, MedGen C0024796, MONDO:0007947, OMIM 154700.

Submissions (2):

Ambry Genetics
Classification: Likely pathogenic for Familial thoracic aortic aneurysm and aortic dissection. Last evaluated: 2025-04-15. Review status: criteria provided, single submitter. Criteria: Ambry Variant Classification Scheme 2023. Collection method: clinical testing. Allele origin: germline.
Comment: The c.8051+1G>A intronic variant results from a G to A substitution one nucleotide after coding exon 63 of the FBN1 gene. This variant has been reported in association with Marfan syndrome (Liu WO et al. Genet Test, 1997;1:237-42). This variant is considered to be rare based on population cohorts in the Genome Aggregation Database (gnomAD). This nucleotide position is highly conserved in available vertebrate species. In silico splice site analysis predicts that this alteration will weaken the native splice donor site. Alterations that disrupt the canonical splice site are expected to cause aberrant splicing, resulting in an abnormal protein or a transcript that is subject to nonsense-mediated mRNA decay. As such, this alteration is classified as likely pathogenic.

Labcorp Genetics (formerly Invitae), Labcorp
Classification: Pathogenic for Marfan syndrome; Familial thoracic aortic aneurysm and aortic dissection. Last evaluated: 2024-09-06. Review status: criteria provided, single submitter. Criteria: Invitae Variant Classification Sherloc (09022015). Collection method: clinical testing. Allele origin: germline.
Comment: This sequence change affects a donor splice site in intron 64 of the FBN1 gene. It is expected to disrupt RNA splicing. Variants that disrupt the donor or acceptor splice site typically lead to a loss of protein function (PMID: 16199547), and loss-of-function variants in FBN1 are known to be pathogenic (PMID: 17657824, 19293843). This variant is not present in population databases (gnomAD no frequency). Disruption of this splice site has been observed in individuals with clinical features of Marfan syndrome (PMID: 10464652, 36292727; internal data). ClinVar contains an entry for this variant (Variation ID: 1479671). Studies have shown that disruption of this splice site is associated with altered splicing resulting in multiple RNA products (PMID: 36292727). For these reasons, this variant has been classified as Pathogenic.

Literature cited by the submitters: PubMed 10464652 (cited by Ambry Genetics and Labcorp Genetics (formerly Invitae), Labcorp); PubMed 16199547 (cited by Labcorp Genetics (formerly Invitae), Labcorp); PubMed 17657824 (cited by Labcorp Genetics (formerly Invitae), Labcorp); PubMed 19293843 (cited by Labcorp Genetics (formerly Invitae), Labcorp); PubMed 36292727 (cited by Labcorp Genetics (formerly Invitae), Labcorp).